The following is an entry in ClinVar:

ClinVar aggregate classification (germline): Uncertain significance (1 of 4 stars; one submission).

Conditions:
Pheochromocytoma/paraganglioma syndrome 3. Also called: GLOMUS TUMORS, FAMILIAL, 3; Paragangliomas 3; SDHC-Related Hereditary Paraganglioma-Pheochromocytoma Syndrome (Paragangliomas 3); SDHC-Related Hereditary Paraganglioma-Pheochromocytoma Syndrome. Identifiers: Orphanet 29072, MedGen C1854336, MONDO:0011544, OMIM 605373.
Gastrointestinal stromal tumor. Also called: Gastrointestinal stroma tumor; Gastrointestinal stromal tumor, somatic. Identifiers: Orphanet 44890, MedGen C0238198, MeSH D046152, MONDO:0011719, OMIM 606764, HP:0100723.

Submission:

Labcorp Genetics (formerly Invitae), Labcorp
Classification: Uncertain significance for Pheochromocytoma/paraganglioma syndrome 3; Gastrointestinal stromal tumor. Last evaluated: 2022-02-28. Review status: criteria provided, single submitter. Criteria: Invitae Variant Classification Sherloc (09022015). Collection method: clinical testing. Allele origin: germline.
Comment: In summary, the available evidence is currently insufficient to determine the role of this variant in disease. Therefore, it has been classified as a Variant of Uncertain Significance. This sequence change results in a frameshift in the SDHC gene (p.Thr159Cysfs*111). While this is not anticipated to result in nonsense mediated decay, it is expected to disrupt the last 11 amino acid(s) of the SDHC protein and extend the protein by 99 additional amino acid residues. This variant is not present in population databases (gnomAD no frequency). This frameshift has been observed in individual(s) with clinical features of paraganglioma-pheochromocytoma syndromes (Invitae).

NM_003001.5(SDHC):c.474_477del (p.Thr159fs)

Gene: SDHC (succinate dehydrogenase complex subunit C; plus strand). Cytogenetic location: 1q23.3.
Variant type: Deletion.
Coding change: c.474_477del on transcript NM_003001.5 (MANE Select); coding-DNA positions 474 to 477, 4 bases deleted (TACT; older notation c.474_477delTACT).
Protein change: p.Thr159fs; shifts the reading frame from threonine 159.
Molecular consequence: frameshift variant.
Genome position (GRCh38, 1-based): chr1:161,362,397-161,362,400, TACT deleted; deleting any 4 consecutive bases within chr1:161,362,395-161,362,400 gives the same sequence; the c. name uses the placement nearest the transcript's 3' end. VCF-style (leftmost placement, unchanged base first): chr1-161362394-TCTTA-T. GRCh37 (hg19) VCF-style: chr1-161332184-TCTTA-T.
Other names: c.310_313delTACT, p.Tyr104Valfs (NM_001035511.3); c.372_375delTACT, p.Thr125Cysfs (NM_001035512.3); c.315_318delTACT, p.Thr106Cysfs (NM_001035513.3); c.208_211delTACT, p.Tyr70Valfs (NM_001278172.3); c.594_597delTACT, p.Thr199Cysfs (NM_001407115.1); c.417_420delTACT, p.Thr140Cysfs (NM_001407116.1); c.411_414delTACT, p.Thr138Cysfs (NM_001407117.1); c.366_369delTACT, p.Thr123Cysfs (NM_001407118.1); and 2 more; short protein forms T106fs, T159fs, T125fs, Y104fs, Y70fs.
Identifiers: ClinVar variation 2104900 (VCV002104900.4), dbSNP rs2526573160, ClinGen allele CA2580061307.